The following is an entry in ClinVar:

NM_000169.3(GLA):c.486G>T (p.Trp162Cys)

Genes: GLA (galactosidase alpha; minus strand), RPL36A-HNRNPH2 (RPL36A-HNRNPH2 readthrough; plus strand). Cytogenetic location: Xq22.1.
Variant type: single nucleotide variant.
Coding change: c.486G>T on transcript NM_000169.3 (MANE Select); coding-DNA position 486, G replaced by T.
Protein change: p.Trp162Cys; replaces tryptophan 162 with cysteine.
Molecular consequence: missense variant. On other transcripts: non-coding transcript variant (3), intron variant (2).
Genome position (GRCh38, 1-based): chrX:101,401,693, C>A on the plus strand (G>T on the coding strand, the complement: GLA is on the minus strand). VCF-style: chrX-101401693-C-A. GRCh37 (hg19) VCF-style: chrX-100656681-C-A.
Other names: c.609G>T, p.Trp203Cys (NM_001406747.1, NM_001406749.1); c.486G>T, p.Trp162Cys (NM_001406748.1); c.300+6236C>A (NM_001199973.2); c.177+9871C>A (NM_001199974.2); short protein forms W162C, W203C.
Identifiers: ClinVar variation 4087384 (VCV004087384.2).

ClinVar aggregate classification (germline): Pathogenic (1 of 4 stars; one submission).

Conditions:
Fabry disease. Also called: ALPHA-GALACTOSIDASE A DEFICIENCY; ANDERSON-FABRY DISEASE; CERAMIDE TRIHEXOSIDASE DEFICIENCY; GLA DEFICIENCY; HEREDITARY DYSTOPIC LIPIDOSIS; Angiokeratoma corporis diffusum. Identifiers: Orphanet 324, MedGen C0002986, MONDO:0010526, OMIM 301500, HP:0001071. Disease mechanism: Fabry disease is due to inactivating mutations in the X-linked GLA gene resulting in deficiency of the enzyme Alpha Galactosidase-A., loss of function.

Submission:

Genomenon, Inc
Classification: Pathogenic for Fabry disease. Last evaluated: 2026-09-08. Review status: criteria provided, single submitter. Criteria: Genomenon Sequence Variant Interpretation Standards - Updated. Collection method: curation. Allele origin: germline. Affected: yes.
Comment: GLA p.Trp162Cys (c.486G>T) is a missense variant that changes the amino acid at codon 162 from Tryptophan to Cysteine. This variant has been observed in at least one proband with clinical features consistent with Fabry disease (PMID:38580906;31649303;29982630). At least one functional study has demonstrated a substantial alteration in protein function relative to the wild-type (PMID:27657681). This variant is located in a mutational hotspot and/or important functional domain. It is absent or not present at a significant frequency in gnomAD. In silico models predict that this variant is possibly or probably damaging. In conclusion, we classify GLA p.Trp162Cys (c.486G>T) as a pathogenic variant.

Literature cited by the submitters: PubMed 38580906; PubMed 31649303; PubMed 29982630; PubMed 27657681.